The following is an entry in ClinVar:

ClinVar aggregate classification (germline): Conflicting classifications of pathogenicity. Review status: criteria provided, conflicting classifications (1 of 4 stars). 4 submissions from 4 submitters: Uncertain significance (3); Likely benign (1). Last evaluated 2026-04-09.

Conditions:
Hyper-IgE recurrent infection syndrome 5, autosomal recessive. Also called: HYPER-IgE SYNDROME 5, AUTOSOMAL RECESSIVE, WITH RECURRENT INFECTIONS. Identifiers: MedGen C5394550, MONDO:0030069, OMIM 618944.

Allele frequency attached by ClinVar (database versions not stated): ExAC 0.00049; TOPMed 0.00058; gnomAD exomes 0.00061 and 0.00091; gnomAD 0.00080 and 0.00084; ESP Exome Variant Server 0.00085.
gnomAD v4.1: 1,431 of 1,612,208 alleles (0.089%); highest among the groups gnomAD compares: Non-Finnish European, 0.1%; no homozygotes.

Submissions (4):

Women's Health and Genetics/Laboratory Corporation of America, LabCorp
Classification: Uncertain significance. Last evaluated: 2026-04-09. Review status: criteria provided, single submitter. Criteria: LabCorp Variant Classification Summary - May 2015. Collection method: clinical testing. Allele origin: germline.
Comment: Variant summary: IL6R c.923C>T (p.Pro308Leu) results in a non-conservative amino acid change in the encoded protein sequence. Algorithms developed to predict the effect of missense changes on protein structure and function are either unavailable or do not agree on the potential impact of this missense change. The variant allele was found at a frequency of 0.00061 in 247650 control chromosomes. This frequency is not significantly higher than estimated for disease-causing variants in IL6R, allowing no conclusion about variant significance. To our knowledge, no occurrence of c.923C>T in individuals affected with IL6R-related conditions and no experimental evidence demonstrating its impact on protein function have been reported. ClinVar contains an entry for this variant (Variation ID: 1036785). Based on the evidence outlined above, the variant was classified as uncertain significance.

Labcorp Genetics (formerly Invitae), Labcorp
Classification: Uncertain significance. Last evaluated: 2025-02-03. Review status: criteria provided, single submitter. Criteria: Invitae Variant Classification Sherloc (09022015). Collection method: clinical testing. Allele origin: germline.
Comment: This sequence change replaces proline, which is neutral and non-polar, with leucine, which is neutral and non-polar, at codon 308 of the IL6R protein (p.Pro308Leu). This variant is present in population databases (rs148682883, gnomAD 0.2%), and has an allele count higher than expected for a pathogenic variant. This variant has not been reported in the literature in individuals affected with IL6R-related conditions. ClinVar contains an entry for this variant (Variation ID: 1036785). An algorithm developed to predict the effect of missense changes on protein structure and function (PolyPhen-2) suggests that this variant¬†is likely to be tolerated. Experimental studies have shown that this missense change affects IL6R function (PMID: 8467812). In summary, the available evidence is currently insufficient to determine the role of this variant in disease. Therefore, it has been classified as a Variant of Uncertain Significance.

Blueprint Genetics
Classification: Likely benign. Last evaluated: 2024-09-30. Review status: criteria provided, single submitter. Criteria: ACMG Guidelines, 2015. Collection method: clinical testing. Allele origin: germline.

Johns Hopkins Genomics, Johns Hopkins University
Classification: Uncertain significance for Hyper-IgE recurrent infection syndrome 5, autosomal recessive. Last evaluated: 2021-03-23. Review status: criteria provided, single submitter. Criteria: ACMG Guidelines, 2015. Collection method: clinical testing. Allele origin: germline.

Literature cited by the submitters: PubMed 8467812 (cited by Labcorp Genetics (formerly Invitae), Labcorp and Johns Hopkins Genomics, Johns Hopkins University); PubMed 31235509 (cited by Johns Hopkins Genomics, Johns Hopkins University).

NM_000565.4(IL6R):c.923C>T (p.Pro308Leu)

Gene: IL6R (interleukin 6 receptor; plus strand). Cytogenetic location: 1q21.3.
Variant type: single nucleotide variant.
Coding change: c.923C>T on transcript NM_000565.4 (MANE Select); coding-DNA position 923, C replaced by T.
Protein change: p.Pro308Leu; replaces proline 308 with leucine.
Molecular consequence: missense variant.
Genome position (GRCh38, 1-based): chr1:154,436,084, C>T. VCF-style: chr1-154436084-C-T. GRCh37 (hg19) VCF-style: chr1-154408560-C-T.
Other names: c.923C>T, p.Pro308Leu (NM_001206866.2, NM_001382769.1, NM_001382770.1 and 3 more transcripts); c.917C>T, p.Pro306Leu (NM_001382772.1); c.563C>T, p.Pro188Leu (NM_001382774.1); short protein forms P306L, P188L, P308L.
Identifiers: ClinVar variation 1036785 (VCV001036785.8), dbSNP rs148682883, ClinGen allele CA1129168.